The following is an entry in ClinVar:

ClinVar aggregate classification (germline): Likely pathogenic. Review status: reviewed by expert panel (3 of 4 stars). 4 submissions from 4 submitters: Likely pathogenic (1). 3 of the submissions do not count toward it. Last evaluated 2019-06-21.

Conditions:
Lynch syndrome. Identifiers: Orphanet 144, MedGen C4552100, MONDO:0005835. Disease mechanism: loss of function.
Hereditary cancer-predisposing syndrome. Also called: Tumor predisposition; Hereditary Cancer Syndrome; Hereditary neoplastic syndrome; Neoplastic Syndromes, Hereditary. Identifiers: Orphanet 140162, MedGen C0027672, MeSH D009386, MONDO:0015356.

Submissions (4):

International Society for Gastrointestinal Hereditary Tumours (InSiGHT)
Classification: Likely pathogenic for Lynch syndrome. Last evaluated: 2019-06-21. Review status: reviewed by expert panel. Criteria: Guidelines v2.4. Collection method: curation. Allele origin: germline. Affected: yes.
Comment: Interrupts canonical donor splice site

Center for Genomic Medicine, Rigshospitalet, Copenhagen University Hospital
Classification: Likely pathogenic. Last evaluated: 2025-03-04. Review status: criteria provided, single submitter. Criteria: ACMG Guidelines, 2015. Collection method: clinical testing. Allele origin: germline. Not counted in ClinVar's aggregate classification.

Color Diagnostics, LLC DBA Color Health
Classification: Likely pathogenic for Hereditary cancer-predisposing syndrome. Last evaluated: 2024-03-04. Review status: criteria provided, single submitter. Criteria: ACMG Guidelines, 2015. Collection method: clinical testing. Allele origin: germline. Not counted in ClinVar's aggregate classification.
Comment: This variant causes an A>G nucleotide substitution at the -2 position in intron 2 of the PMS2 gene. Splice site prediction tools suggest that this variant may have a significant impact on RNA splicing. Although this prediction has not been confirmed in published RNA studies, this variant is expected to result in an absent or disrupted protein product. To our knowledge, functional studies have not been reported for this variant. This variant has not been reported in individuals affected with PMS2-related disorders in the literature. This variant has not been identified in the general population by the Genome Aggregation Database (gnomAD). Different variants affecting the same splice acceptor site, c.164-1G>T, c.164-1G>A and c.164-1G>C, are described as disease-causing (ClinVar variation ID: 2674193, 484252, 186061). Based on the available evidence, this variant is classified as Likely Pathogenic.

All of Us Research Program, National Institutes of Health
Classification: Likely pathogenic for Lynch syndrome. Last evaluated: 2023-11-27. Review status: criteria provided, single submitter. Criteria: ACMG Guidelines, 2015. Collection method: clinical testing. Allele origin: germline. Inheritance: Autosomal dominant inheritance. Observed: 1 variant allele, 1 heterozygote. Not counted in ClinVar's aggregate classification.
Comment: The c.164-2A>G variant in the PMS2 gene is located at the canonical splice site of intron 2 and is predicted to inflict acceptor loss (SpliceAI delta score: 0.99), resulting in aberrant splicing and disrupted protein product. The variant has been reported in an individual with colorectal cancer, and experimental RNA analysis from patient's lymphocytes showed aberrant transcripts and negative functional impact (PMID: 23709753). Loss-of-function variants in PMS2 are known to be pathogenic (PMID: 28514183, 25512458, 35223509). The variant is reported in ClinVar as likely pathogenic (ID: 91308) and reviewed by the expert panel. The variant is absent in the general population database (gnomAD). Therefore, the c.164-2A>G variant of PMS2 has been classified as likely pathogenic.

This study involves interpretation of variants in research participants for the purpose of population health screening. Participant phenotype was not available at the time of variant classification. Additional details can be found in publication PMID: 35346344, PMCID: PMC8962531

Literature cited by the submitters: PubMed 23709753 (cited by All of Us Research Program, National Institutes of Health); PubMed 25512458 (cited by All of Us Research Program, National Institutes of Health); PubMed 28514183 (cited by All of Us Research Program, National Institutes of Health); PubMed 35223509 (cited by All of Us Research Program, National Institutes of Health).

NM_000535.7(PMS2):c.164-2A>G

Gene: PMS2 (PMS1 homolog 2, mismatch repair system component; minus strand). Cytogenetic location: 7p22.1.
Variant type: single nucleotide variant.
Coding change: c.164-2A>G on transcript NM_000535.7 (MANE Select); the canonical splice acceptor site of the intron before coding-DNA position 164, A replaced by G.
Molecular consequence: splice acceptor variant. On other transcripts: intron variant (1).
Genome position (GRCh38, 1-based): chr7:6,004,060, T>C on the plus strand (A>G on the coding strand, the complement: PMS2 is on the minus strand). VCF-style: chr7-6004060-T-C. GRCh37 (hg19) VCF-style: chr7-6043691-T-C.
Other names: c.-52-2A>G (NM_001322008.2, NM_001406902.1, NM_001406883.1 and 4 more transcripts); c.-218-2A>G (NM_001406881.1, NM_001406900.1); c.-189-2A>G (NM_001406895.1, NM_001406904.1, NM_001406889.1 and 6 more transcripts); c.-242-2A>G (NM_001406911.1, NM_001322010.2, NM_001322004.2 and 13 more transcripts); c.-321-2A>G (NM_001406879.1, NM_001322015.2, NM_001406878.1 and 3 more transcripts); c.-721-2A>G (NM_001322012.2, NM_001322011.2); c.-52-1424A>G (NM_001406896.1); c.164-2A>G (NM_001406885.1, NM_001406886.1, NM_001406884.1 and 10 more transcripts); and 3 more.
Identifiers: ClinVar variation 91308 (VCV000091308.6), dbSNP rs587779324, ClinGen allele CA009971.
Genomic context (GRCh38, chr7:6,004,060, plus strand): 5'-CCCACATCCATTGTCTGAAACTTCAATAAGATCCACTCCATAGTCCTTAAGCTTTAGATC[T>C]AGAAAGTTTAAAATATTTACATATTTATTAAAAACGGACCCATGCTATCAGTTTTTATAT-3'